The following is an entry in ClinVar:

NM_001376.5(DYNC1H1):c.12211A>G (p.Ile4071Val)

Gene: DYNC1H1 (dynein cytoplasmic 1 heavy chain 1; plus strand). Cytogenetic location: 14q32.31.
Variant type: single nucleotide variant.
Coding change: c.12211A>G on transcript NM_001376.5 (MANE Select); coding-DNA position 12211, A replaced by G.
Protein change: p.Ile4071Val; replaces isoleucine 4071 with valine.
Molecular consequence: missense variant.
Genome position (GRCh38, 1-based): chr14:102,042,121, A>G. VCF-style: chr14-102042121-A-G. GRCh37 (hg19) VCF-style: chr14-102508458-A-G.
Other names: short protein forms I4071V.
Identifiers: ClinVar variation 208645 (VCV000208645.3), dbSNP rs797044851, ClinGen allele CA204593.

ClinVar aggregate classification (germline): Uncertain significance (1 of 4 stars; one submission).

Conditions:
Inborn genetic diseases. Identifiers: MedGen C0950123, MeSH D030342.

Allele frequency attached by ClinVar (database versions not stated): gnomAD exomes below 0.00001.
gnomAD v4.1: 1 of 1,614,036 alleles (0.000062%); highest among the groups gnomAD compares: Non-Finnish European, 0.000085%; no homozygotes.

Submission:

Ambry Genetics
Classification: Uncertain significance for Inborn genetic diseases. Last evaluated: 2013-05-06. Review status: criteria provided, single submitter. Criteria: Ambry Autosomal Dominant and X-Linked criteria (10/2015). Collection method: clinical testing. Allele origin: germline. Observed: 1 variant allele.
Comment: There is insufficient or conflicting evidence for classification of this alteration.